The following is an entry in ClinVar:

NM_207346.3(TSEN54):c.222-7T>A

Gene: TSEN54 (tRNA splicing endonuclease subunit 54; plus strand). Cytogenetic location: 17q25.1.
Variant type: single nucleotide variant.
Coding change: c.222-7T>A on transcript NM_207346.3 (MANE Select); 7 bases into the intron before coding-DNA position 222, T replaced by A.
Molecular consequence: intron variant.
Genome position (GRCh38, 1-based): chr17:75,517,002, T>A. VCF-style: chr17-75517002-T-A. GRCh37 (hg19) VCF-style: chr17-73513083-T-A.
Identifiers: ClinVar variation 432579 (VCV000432579.2), dbSNP rs1555643725, ClinGen allele CA645373132.
Genomic context (GRCh38, chr17:75,517,002, plus strand): 5'-CGGGGGCGAGGCGGGCCGCGGGGTCTCCGGAATGGACTGACGCAGACCCCTCCCCACTCC[T>A]CGCCAGGGGCAGCTTGGTGGCTGCCGAGTGGAGGCCAGAAGAGGGCTTCGTGGAGTTGAA-3'

ClinVar aggregate classification (germline): Uncertain significance (1 of 4 stars; one submission).

Submission:

GeneDx
Classification: Uncertain significance. Last evaluated: 2017-06-13. Review status: criteria provided, single submitter. Criteria: GeneDx Variant Classification (06012015). Collection method: clinical testing. Allele origin: germline. Affected: yes.
Comment: A variant of uncertain significance has been identified in the TSEN54 gene. The c.222-7 T>A variant has not been published as a pathogenic variant, nor has it been reported as a benign variant to our knowledge. The c.222-7 T>A variant is not observed in large population cohorts (Lek et al., 2016; 1000 Genomes Consortium et al., 2015; Exome Variant Server). Several in-silico splice prediction models predict that c.222-7 T>A may damage or destroy the natural acceptor site and lead to abnormal gene splicing. However, in the absence of RNA/functional studies, the actual effect of this sequence change in this individual is unknown. Additionally, this substitution occurs at a position that is not conserved. Therefore, based on the currently available information, it is unclear whether this variant is a pathogenic variant or a rare benign variant.